The following is an entry in ClinVar:

NM_004667.6(HERC2):c.14322G>A (p.Lys4774=)

Gene: HERC2 (HECT and RLD domain containing E3 ubiquitin protein ligase 2; minus strand). Cytogenetic location: 15q13.1.
Variant type: single nucleotide variant.
Coding change: c.14322G>A on transcript NM_004667.6 (MANE Select); coding-DNA position 14322, G replaced by A.
Protein change: p.Lys4774=; no amino-acid change (lysine 4774 retained).
Molecular consequence: synonymous variant.
Genome position (GRCh38, 1-based): chr15:28,111,946, C>T on the plus strand (G>A on the coding strand, the complement: HERC2 is on the minus strand). VCF-style: chr15-28111946-C-T. GRCh37 (hg19) VCF-style: chr15-28357092-C-T.
Identifiers: ClinVar variation 4988736 (VCV004988736.1).

ClinVar aggregate classification (germline): Likely benign (1 of 4 stars; one submission).

Conditions:
HERC2-related disorder. Also called: HERC2-related condition.

gnomAD v4.1: 12 of 1,614,026 alleles (0.00074%); highest among the groups gnomAD compares: Non-Finnish European, 0.001%; no homozygotes.

Submission:

PreventionGenetics, part of Exact Sciences
Classification: Likely benign for HERC2-related condition. Last evaluated: 2026-05-15. Review status: criteria provided, single submitter. Criteria: ACMG Guidelines, 2015. Collection method: clinical testing. Allele origin: germline.
Comment: This variant is classified as likely benign based on ACMG/AMP sequence variant interpretation guidelines (Richards et al. 2015 PMID: 25741868, with internal and published modifications).